The following is an entry in ClinVar:

ClinVar aggregate classification (germline): Uncertain significance (1 of 4 stars; one submission).

Submission:

GeneDx
Classification: Uncertain significance. Last evaluated: 2024-09-03. Review status: criteria provided, single submitter. Criteria: GeneDx Variant Classification Process June 2021. Collection method: clinical testing. Allele origin: germline. Affected: yes.
Comment: Frameshift variant predicted to result in protein truncation or nonsense mediated decay in a gene for which loss of function is a known mechanism of disease; Has not been previously published as pathogenic or benign to our knowledge

NM_001378183.1(PIEZO2):c.7936dup (p.Ser2646fs)

Gene: PIEZO2 (piezo type mechanosensitive ion channel component 2; minus strand). Cytogenetic location: 18p11.22.
Variant type: Duplication.
Coding change: c.7936dup on transcript NM_001378183.1 (MANE Select); coding-DNA position 7936, one base duplicated (T; older notation c.7936dupT).
Protein change: p.Ser2646fs; shifts the reading frame from serine 2646.
Molecular consequence: frameshift variant.
Genome position (GRCh38, 1-based): chr18:10,680,215, A duplicated on the plus strand (T on the coding strand, the reverse complement: PIEZO2 is on the minus strand); the first of 6 consecutive A bases (chr18:10,680,215-10,680,220); duplicating any one gives the same sequence. VCF-style (leftmost placement, unchanged base first): chr18-10680214-G-GA. GRCh37 (hg19) VCF-style: chr18-10680211-G-GA.
Other names: c.7672dup, p.Ser2558fs (NM_001410871.1); c.7597dup, p.Ser2533fs (NM_022068.4); short protein forms S2533fs, S2558fs, S2646fs.
Identifiers: ClinVar variation 3766172 (VCV003766172.1).